The following is an entry in ClinVar:

ClinVar aggregate classification (germline): Pathogenic (1 of 4 stars; one submission).

Conditions:
Encephalopathy due to GLUT1 deficiency. Also called: GLUT1 deficiency syndrome 1; GLUT1 deficiency syndrome 1, infantile onset, severe; De Vivo disease; Glucose transporter protein syndrome; Classic Glucose Transporter Type 1 Deficiency Syndrome; GLUCOSE TRANSPORT DEFECT, BLOOD-BRAIN BARRIER. Identifiers: Orphanet 71277, MedGen C4551966, MONDO:0011724, OMIM 606777.

Submission:

Women's Health and Genetics/Laboratory Corporation of America, LabCorp
Classification: Pathogenic for Encephalopathy due to GLUT1 deficiency. Last evaluated: 2025-03-24. Review status: criteria provided, single submitter. Criteria: LabCorp Variant Classification Summary - May 2015. Collection method: clinical testing. Allele origin: germline.
Comment: Variant summary: SLC2A1 c.395_396delAC (p.Tyr132LeufsX14) results in a premature termination codon, predicted to cause a truncation of the encoded protein or absence of the protein due to nonsense mediated decay, which are commonly known mechanisms for disease. The variant was absent in 246772 control chromosomes. To our knowledge, no occurrence of c.395_396delAC in individuals affected with GLUT1 Deficiency Syndrome 1 and no experimental evidence demonstrating its impact on protein function have been reported. No submitters have cited clinical-significance assessments for this variant to ClinVar. Based on the evidence outlined above, the variant was classified as pathogenic.

NM_006516.4(SLC2A1):c.395_396del (p.Tyr132fs)

Gene: SLC2A1 (solute carrier family 2 member 1; minus strand). Cytogenetic location: 1p34.2.
Variant type: Deletion.
Coding change: c.395_396del on transcript NM_006516.4 (MANE Select); coding-DNA positions 395 to 396, 2 bases deleted (AC; older notation c.395_396delAC).
Protein change: p.Tyr132fs; shifts the reading frame from tyrosine 132.
Molecular consequence: frameshift variant.
Genome position (GRCh38, 1-based): chr1:42,930,746-42,930,747, GT deleted on the plus strand (AC on the coding strand, the reverse complement: SLC2A1 is on the minus strand). VCF-style (leftmost placement, unchanged base first): chr1-42930745-AGT-A. GRCh37 (hg19) VCF-style: chr1-43396416-AGT-A.
Other names: c.395_396delAC (NM_006516.4); short protein forms Y132fs.
Identifiers: ClinVar variation 3895982 (VCV003895982.1).